The following is an entry in ClinVar:

NM_001042432.2(CLN3):c.820del (p.Arg274fs)

Gene: CLN3 (CLN3 lysosomal/endosomal transmembrane protein, battenin; minus strand). Cytogenetic location: 16p12.1.
Variant type: Deletion.
Coding change: c.820del on transcript NM_001042432.2 (MANE Select); coding-DNA position 820, one base deleted (A; older notation c.820delA).
Protein change: p.Arg274fs; shifts the reading frame from arginine 274.
Molecular consequence: frameshift variant.
Genome position (GRCh38, 1-based): chr16:28,482,643, T deleted on the plus strand (A on the coding strand, the reverse complement: CLN3 is on the minus strand); the first of 3 consecutive T bases (chr16:28,482,643-28,482,645); deleting any one gives the same sequence. VCF-style (leftmost placement, unchanged base first): chr16-28482642-CT-C. GRCh37 (hg19) VCF-style: chr16-28493963-CT-C.
Other names: c.820del, p.Arg274fs (NM_000086.2); c.748del, p.Arg250fs (NM_001286104.2); c.520del, p.Arg174fs (NM_001286105.2); c.586del, p.Arg196fs (NM_001286109.2); c.658del, p.Arg220fs (NM_001286110.2); short protein forms R174fs, R196fs, R220fs, R250fs, R274fs.
Identifiers: ClinVar variation 4817101 (VCV004817101.1).

ClinVar aggregate classification (germline): Likely pathogenic (1 of 4 stars; one submission).

Conditions:
Juvenile neuronal ceroid lipofuscinosis. Also called: Batten Disease. Identifiers: Orphanet 79264, MedGen CN293564, MONDO:0019262.

Submission:

Natera, Inc.
Classification: Likely pathogenic for Batten Disease. Last evaluated: 2025-08-24. Review status: criteria provided, single submitter. Criteria: Natera Variant Classification Schema (03/2026). Collection method: clinical testing. Allele origin: germline.
Comment: The c.820del variant in CLN3 is a frameshift variant predicted to shift the reading frame beginning at codon 274 and leads to a stop codon 17 codons downstream. This variant is expected to result in nonsense mediated decay, truncation, or a dysfunctional protein product. This variant is rare in the general population with a frequency below the threshold expected for the associated phenotype(s). Given the available evidence, this variant is classified as Likely Pathogenic.